The following is an entry in ClinVar:

NM_000540.3(RYR1):c.4352G>A (p.Trp1451Ter)

Gene: RYR1 (ryanodine receptor 1; plus strand). Cytogenetic location: 19q13.2.
Variant type: single nucleotide variant.
Coding change: c.4352G>A on transcript NM_000540.3 (MANE Select); coding-DNA position 4352, G replaced by A.
Protein change: p.Trp1451Ter; replaces tryptophan 1451 with a stop codon.
Molecular consequence: nonsense.
Genome position (GRCh38, 1-based): chr19:38,477,768, G>A. VCF-style: chr19-38477768-G-A. GRCh37 (hg19) VCF-style: chr19-38968408-G-A.
Other names: c.4352G>A, p.Trp1451Ter (NM_001042723.2); short protein forms W1451*.
Identifiers: ClinVar variation 3387708 (VCV003387708.1).

ClinVar aggregate classification (germline): Uncertain significance (1 of 4 stars; one submission).

Conditions:
Malignant hyperthermia, susceptibility to, 1 (MHS1). Also called: Anesthesia related hyperthermia; Malignant hyperpyrexia; Fulminating hyperpyrexia; Pharmacogenic myopathy; RYR1-Related Malignant Hyperthermia Susceptibility; Malignant hyperthermia suceptibility 1. Identifiers: Orphanet 423, MedGen C2930980, MONDO:0007783, OMIM 145600.

Submission:

All of Us Research Program, National Institutes of Health
Classification: Uncertain significance for Malignant hyperthermia, susceptibility to, 1. Last evaluated: 2024-03-05. Review status: criteria provided, single submitter. Criteria: ACMG Guidelines, 2015. Collection method: clinical testing. Allele origin: germline. Inheritance: Autosomal dominant inheritance. Observed: 1 variant allele, 1 heterozygote.
Comment: This study involves interpretation of variants in research participants for the purpose of population health screening. Participant phenotype was not available at the time of variant classification. Additional details can be found in publication PMID: 35346344, PMCID: PMC8962531